The following is an entry in ClinVar:

NM_001144967.3(NEDD4L):c.2393T>C (p.Met798Thr)

Gene: NEDD4L (NEDD4 like E3 ubiquitin protein ligase; plus strand). Cytogenetic location: 18q21.31.
Variant type: single nucleotide variant.
Coding change: c.2393T>C on transcript NM_001144967.3 (MANE Select); coding-DNA position 2393, T replaced by C.
Protein change: p.Met798Thr; replaces methionine 798 with threonine.
Molecular consequence: missense variant.
Genome position (GRCh38, 1-based): chr18:58,383,286, T>C. VCF-style: chr18-58383286-T-C. GRCh37 (hg19) VCF-style: chr18-56050518-T-C.
Other names: c.2030T>C, p.Met677Thr (NM_001144964.1, NM_001144965.2, NM_001144966.3); c.2369T>C, p.Met790Thr (NM_001144968.2); c.2309T>C, p.Met770Thr (NM_001144969.2); c.1970T>C, p.Met657Thr (NM_001144970.3, NM_001144971.2); c.2201T>C, p.Met734Thr (NM_001243960.2); c.2333T>C, p.Met778Thr (NM_015277.6); short protein forms M657T, M677T, M790T, M798T, M770T, M734T, M778T.
Identifiers: ClinVar variation 1932930 (VCV001932930.5), dbSNP rs2518229251, ClinGen allele CA402555145.

ClinVar aggregate classification (germline): Uncertain significance (1 of 4 stars; one submission).

Submission:

Labcorp Genetics (formerly Invitae), Labcorp
Classification: Uncertain significance. Last evaluated: 2023-08-17. Review status: criteria provided, single submitter. Criteria: Invitae Variant Classification Sherloc (09022015). Collection method: clinical testing. Allele origin: germline.
Comment: In summary, the available evidence is currently insufficient to determine the role of this variant in disease. Therefore, it has been classified as a Variant of Uncertain Significance. This variant has not been reported in the literature in individuals affected with NEDD4L-related conditions. This sequence change replaces methionine, which is neutral and non-polar, with threonine, which is neutral and polar, at codon 778 of the NEDD4L protein (p.Met778Thr). This variant is not present in population databases (gnomAD no frequency). ClinVar contains an entry for this variant (Variation ID: 1932930). Advanced modeling of protein sequence and biophysical properties (such as structural, functional, and spatial information, amino acid conservation, physicochemical variation, residue mobility, and thermodynamic stability) performed at Invitae indicates that this missense variant is not expected to disrupt NEDD4L protein function.